The following is an entry in ClinVar:

ClinVar aggregate classification (germline): Uncertain significance (1 of 4 stars; one submission).

Conditions:
Hereditary cancer-predisposing syndrome. Also called: Neoplastic Syndromes, Hereditary; Tumor predisposition; Hereditary neoplastic syndrome; Hereditary Cancer Syndrome. Identifiers: Orphanet 140162, MedGen C0027672, MeSH D009386, MONDO:0015356.

Submission:

Ambry Genetics
Classification: Uncertain significance for Hereditary cancer-predisposing syndrome. Last evaluated: 2026-07-06. Review status: criteria provided, single submitter. Criteria: Ambry Variant Classification Scheme 2023. Collection method: clinical testing. Allele origin: germline.
Comment: The p.A259S variant (also known as c.775G>T), located in coding exon 1 of the AXIN2 gene, results from a G to T substitution at nucleotide position 775. The alanine at codon 259 is replaced by serine, an amino acid with similar properties. This amino acid position is conserved. In addition, this alteration is predicted to be tolerated by in silico analysis. Based on the available evidence, the clinical significance of this variant remains unclear.

NM_004655.4(AXIN2):c.775G>T (p.Ala259Ser)

Gene: AXIN2 (axin 2; minus strand). Cytogenetic location: 17q24.1.
Variant type: single nucleotide variant.
Coding change: c.775G>T on transcript NM_004655.4 (MANE Select); coding-DNA position 775, G replaced by T.
Protein change: p.Ala259Ser; replaces alanine 259 with serine.
Molecular consequence: missense variant.
Genome position (GRCh38, 1-based): chr17:65,557,846, C>A on the plus strand (G>T on the coding strand, the complement: AXIN2 is on the minus strand). VCF-style: chr17-65557846-C-A. GRCh37 (hg19) VCF-style: chr17-63553964-C-A.
Other names: c.775G>T, p.Ala259Ser (NM_001363813.1); short protein forms A259S.
Identifiers: ClinVar variation 5032578 (VCV005032578.1).